The following is an entry in ClinVar:

ClinVar aggregate classification (germline): Pathogenic (1 of 4 stars; one submission).

Conditions:
Bardet-Biedl syndrome (BBS). Identifiers: Orphanet 110, MedGen C0752166, MONDO:0015229.

Submission:

Labcorp Genetics (formerly Invitae), Labcorp
Classification: Pathogenic for Bardet-Biedl syndrome. Last evaluated: 2020-01-18. Review status: criteria provided, single submitter. Criteria: Invitae Variant Classification Sherloc (09022015). Collection method: clinical testing. Allele origin: germline.
Comment: For these reasons, this variant has been classified as Pathogenic. Loss-of-function variants in BBS9 are known to be pathogenic (PMID: 16380913). This variant has not been reported in the literature in individuals with BBS9-related conditions. This variant is not present in population databases (ExAC no frequency). This sequence change creates a premature translational stop signal (p.Asp700Argfs*46) in the BBS9 gene. It is expected to result in an absent or disrupted protein product.

Literature cited by the submitters: PubMed 16380913.

NM_198428.3(BBS9):c.2097dup (p.Asp700fs)

Gene: BBS9 (Bardet-Biedl syndrome 9; plus strand). Cytogenetic location: 7p14.3.
Variant type: Duplication.
Coding change: c.2097dup on transcript NM_198428.3 (MANE Select); coding-DNA position 2097, one base duplicated (A; older notation c.2097dupA).
Protein change: p.Asp700fs; shifts the reading frame from aspartic acid 700.
Molecular consequence: frameshift variant. On other transcripts: non-coding transcript variant (3).
Genome position (GRCh38, 1-based): chr7:33,388,126, A duplicated. VCF-style (leftmost placement, unchanged base first): chr7-33388125-T-TA. GRCh37 (hg19) VCF-style: chr7-33427737-T-TA.
Other names: c.1992dup, p.Asp665fs (NM_001033604.2); c.2082dup, p.Asp695fs (NM_001033605.2); c.2097dup, p.Asp700fs (NM_001348036.1, NM_001348041.4, NM_001348043.3 and 1 more transcripts); c.1731dup, p.Asp578fs (NM_001348037.3, NM_001348045.3, NM_001348046.3); c.1824dup, p.Asp609fs (NM_001348038.3); c.1719dup, p.Asp574fs (NM_001348039.3); c.1977dup, p.Asp660fs (NM_001348040.3, NM_014451.4); c.1962dup, p.Asp655fs (NM_001348042.3); and 1 more; short protein forms D543fs, D574fs, D578fs, D609fs, D655fs, D660fs, D665fs, D695fs.
Identifiers: ClinVar variation 1073901 (VCV001073901.7), dbSNP rs2128756914, ClinGen allele CA2499218874.